The following is an entry in ClinVar:

NM_000443.4(ABCB4):c.3081+1G>A

Gene: ABCB4 (ATP binding cassette subfamily B member 4; minus strand). Cytogenetic location: 7q21.12.
Variant type: single nucleotide variant.
Coding change: c.3081+1G>A on transcript NM_000443.4 (MANE Select); the canonical splice donor site of the intron after coding-DNA position 3081, G replaced by A.
Molecular consequence: splice donor variant.
Genome position (GRCh38, 1-based): chr7:87,409,235, C>T on the plus strand (G>A on the coding strand, the complement: ABCB4 is on the minus strand). VCF-style: chr7-87409235-C-T. GRCh37 (hg19) VCF-style: chr7-87038551-C-T.
Other names: c.2940+1G>A (NM_018850.3); c.3081+1G>A (NM_018849.3).
Identifiers: ClinVar variation 4993991 (VCV004993991.1).

ClinVar aggregate classification (germline): Likely pathogenic (1 of 4 stars; one submission).

Conditions:
ABCB4-related disorder. Also called: ABCB4-related disorders; ABCB4-related condition.

Submission:

PreventionGenetics, part of Exact Sciences
Classification: Likely pathogenic for ABCB4-related condition. Last evaluated: 2026-03-27. Review status: criteria provided, single submitter. Criteria: ACMG Guidelines, 2015. Collection method: clinical testing. Allele origin: germline.
Comment: The ABCB4 c.3081+1G>A variant is predicted to disrupt the GT donor site and interfere with normal splicing. To our knowledge, this variant has not been reported in the literature or in a large population database (gnomAD), indicating this variant is rare. Variants that disrupt the consensus splice donor site in ABCB4 are expected to be pathogenic. This variant is interpreted as likely pathogenic.